The following is an entry in ClinVar:

ClinVar aggregate classification (germline): Likely benign. Review status: criteria provided, single submitter (1 of 4 stars). 2 submissions from 2 submitters: Likely benign (1). 1 of the submissions does not count toward it. Last evaluated 2026-01-01.

Conditions:
DNAH2-related disorder. Also called: DNAH2-related condition.

Allele frequency attached by ClinVar (database versions not stated): ExAC 0.00008; gnomAD 0.00013; ESP Exome Variant Server 0.00015; TOPMed 0.00015; gnomAD exomes 0.00021.
gnomAD v4.1: 322 of 1,614,020 alleles (0.02%); highest among the groups gnomAD compares: Middle Eastern, 0.49%; no homozygotes.

Submissions (2):

CeGaT Center for Human Genetics Tuebingen
Classification: Likely benign. Last evaluated: 2026-01-01. Review status: criteria provided, single submitter. Criteria: CeGaT Center For Human Genetics Tuebingen Variant Classification Criteria Version 2. Collection method: clinical testing. Allele origin: germline. Affected: yes. Observed: 2 variant alleles.
Comment: DNAH2: BP4, BP7

PreventionGenetics, part of Exact Sciences
Classification: Likely benign for DNAH2-related condition. Last evaluated: 2019-06-21. Review status: no assertion criteria provided. Collection method: clinical testing. Allele origin: germline. Not counted in ClinVar's aggregate classification.
Comment: This variant is classified as likely benign based on ACMG/AMP sequence variant interpretation guidelines (Richards et al. 2015 PMID: 25741868, with internal and published modifications).

NM_020877.5(DNAH2):c.10125C>T (p.Asp3375=)

Gene: DNAH2 (dynein axonemal heavy chain 2; plus strand). Cytogenetic location: 17p13.1.
Variant type: single nucleotide variant.
Coding change: c.10125C>T on transcript NM_020877.5 (MANE Select); coding-DNA position 10125, C replaced by T.
Protein change: p.Asp3375=; no amino-acid change (aspartic acid 3375 retained).
Molecular consequence: synonymous variant.
Genome position (GRCh38, 1-based): chr17:7,817,665, C>T. VCF-style: chr17-7817665-C-T. GRCh37 (hg19) VCF-style: chr17-7720983-C-T.
Identifiers: ClinVar variation 2647386 (VCV002647386.25), dbSNP rs370664116, ClinGen allele CA8358947.